The following is an entry in ClinVar:

NM_015569.5(DNM3):c.789G>A (p.Pro263=)

Gene: DNM3 (dynamin 3; plus strand). Cytogenetic location: 1q24.3.
Variant type: single nucleotide variant.
Coding change: c.789G>A on transcript NM_015569.5 (MANE Select); coding-DNA position 789, G replaced by A.
Protein change: p.Pro263=; no amino-acid change (proline 263 retained).
Molecular consequence: synonymous variant. On other transcripts: non-coding transcript variant (1).
Genome position (GRCh38, 1-based): chr1:172,033,205, G>A. VCF-style: chr1-172033205-G-A. GRCh37 (hg19) VCF-style: chr1-172002345-G-A.
Other names: c.789G>A, p.Pro263= (NM_001136127.3, NM_001278252.2, NM_001350204.2 and 2 more transcripts).
Identifiers: ClinVar variation 2639557 (VCV002639557.24), dbSNP rs749873284, ClinGen allele CA1245259.

ClinVar aggregate classification (germline): Likely benign (1 of 4 stars; one submission).

Allele frequency attached by ClinVar (database versions not stated): gnomAD 0.00001; TOPMed 0.00002.
gnomAD v4.1: 43 of 1,608,654 alleles (0.0027%); highest among the groups gnomAD compares: Admixed American, 0.0034%; no homozygotes.

Submission:

CeGaT Center for Human Genetics Tuebingen
Classification: Likely benign. Last evaluated: 2023-04-01. Review status: criteria provided, single submitter. Criteria: CeGaT Center For Human Genetics Tuebingen Variant Classification Criteria Version 2. Collection method: clinical testing. Allele origin: germline. Affected: yes. Observed: 1 variant allele.
Comment: DNM3: BP4, BP7